The following is an entry in ClinVar:

NM_019032.6(ADAMTSL4):c.2080C>T (p.Arg694Cys)

Genes: ADAMTSL4 (ADAMTS like 4; plus strand), ADAMTSL4-AS2 (ADAMTSL4 antisense RNA 2; minus strand). Cytogenetic location: 1q21.2.
Variant type: single nucleotide variant.
Coding change: c.2080C>T on transcript NM_019032.6 (MANE Select); coding-DNA position 2080, C replaced by T.
Protein change: p.Arg694Cys; replaces arginine 694 with cysteine.
Molecular consequence: missense variant.
Genome position (GRCh38, 1-based): chr1:150,557,526, C>T. VCF-style: chr1-150557526-C-T. GRCh37 (hg19) VCF-style: chr1-150530002-C-T.
Other names: c.1963C>T, p.Arg655Cys (NM_001288607.2); c.2149C>T, p.Arg717Cys (NM_001288608.2); c.2080C>T, p.Arg694Cys (NM_001378596.1, NM_025008.5); short protein forms R655C, R717C, R694C.
Identifiers: ClinVar variation 874414 (VCV000874414.8), dbSNP rs749020217, ClinGen allele CA1078526.

ClinVar aggregate classification (germline): Uncertain significance. Review status: criteria provided, multiple submitters, no conflicts (2 of 4 stars). 4 submissions from 3 submitters: Uncertain significance (4). Last evaluated 2026-01-20.

Conditions:
Ectopia lentis et pupillae. Also called: ECTOPIA LENTIS WITH ECTOPIA OF PUPIL. Identifiers: Orphanet 1885, MedGen C1644196, MONDO:0009153, OMIM 225200.
Ectopia lentis 2, isolated, autosomal recessive (ECTOL2). Identifiers: Orphanet 1885, MedGen C3541474, MONDO:0009152, OMIM 225100.

Allele frequency attached by ClinVar (database versions not stated): ExAC 0.00002; gnomAD exomes 0.00002; gnomAD 0.00003; TOPMed 0.00003.
gnomAD v4.1: 74 of 1,612,466 alleles (0.0046%); highest among the groups gnomAD compares: Middle Eastern, 0.017%; no homozygotes.

Submissions (4):

Labcorp Genetics (formerly Invitae), Labcorp
Classification: Uncertain significance. Last evaluated: 2026-01-20. Review status: criteria provided, single submitter. Criteria: Invitae Variant Classification Sherloc (09022015). Collection method: clinical testing. Allele origin: germline.
Comment: This sequence change replaces arginine, which is basic and polar, with cysteine, which is neutral and slightly polar, at codon 694 of the ADAMTSL4 protein (p.Arg694Cys). This variant is present in population databases (rs749020217, gnomAD 0.007%). This variant has not been reported in the literature in individuals affected with ADAMTSL4-related conditions. ClinVar contains an entry for this variant (Variation ID: 874414). Invitae Evidence Modeling of protein sequence and biophysical properties (such as structural, functional, and spatial information, amino acid conservation, physicochemical variation, residue mobility, and thermodynamic stability) indicates that this missense variant is not expected to disrupt ADAMTSL4 protein function with a negative predictive value of 80%. In summary, the available evidence is currently insufficient to determine the role of this variant in disease. Therefore, it has been classified as a Variant of Uncertain Significance.

Genome-Nilou Lab
Classification: Uncertain significance for Ectopia lentis et pupillae. Last evaluated: 2023-04-11. Review status: criteria provided, single submitter. Criteria: ACMG Guidelines, 2015. Collection method: clinical testing. Allele origin: germline. Affected: no.

Genome-Nilou Lab
Classification: Uncertain significance for Ectopia lentis 2, isolated, autosomal recessive. Last evaluated: 2023-04-11. Review status: criteria provided, single submitter. Criteria: ACMG Guidelines, 2015. Collection method: clinical testing. Allele origin: germline. Affected: no.

Illumina Laboratory Services, Illumina
Classification: Uncertain significance for Ectopia lentis 2, isolated, autosomal recessive. Last evaluated: 2018-01-13. Review status: criteria provided, single submitter. Criteria: ICSL Variant Classification Criteria 13 December 2019. Collection method: clinical testing. Allele origin: germline.